The following is an entry in ClinVar:

NM_001378454.1(ALMS1):c.4436G>A (p.Gly1479Glu)

Gene: ALMS1 (ALMS1 centrosome and basal body associated protein; plus strand). Cytogenetic location: 2p13.1.
Variant type: single nucleotide variant.
Coding change: c.4436G>A on transcript NM_001378454.1 (MANE Select); coding-DNA position 4436, G replaced by A.
Protein change: p.Gly1479Glu; replaces glycine 1479 with glutamic acid.
Molecular consequence: missense variant.
Genome position (GRCh38, 1-based): chr2:73,450,963, G>A. VCF-style: chr2-73450963-G-A. GRCh37 (hg19) VCF-style: chr2-73678090-G-A.
Other names: c.4439G>A, p.Gly1480Glu (NM_015120.4); short protein forms G1480E, G1479E.
Identifiers: ClinVar variation 1932912 (VCV001932912.5), dbSNP rs756575234, ClinGen allele CA1713710.

ClinVar aggregate classification (germline): Conflicting classifications of pathogenicity. Review status: criteria provided, conflicting classifications (1 of 4 stars). 3 submissions from 3 submitters: Uncertain significance (2); Likely benign (1). Last evaluated 2025-01-21.

Conditions:
Cardiovascular phenotype. Identifiers: MedGen CN230736.
Alstrom syndrome (ALMS). Identifiers: Orphanet 64, MedGen C0268425, MONDO:0008763, OMIM 203800.

Allele frequency attached by ClinVar (database versions not stated): ExAC 0.00001; gnomAD 0.00001; TOPMed 0.00002.
gnomAD v4.1: 7 of 1,613,686 alleles (0.00043%); highest among the groups gnomAD compares: East Asian, 0.0022%; no homozygotes.

Submissions (3):

Labcorp Genetics (formerly Invitae), Labcorp
Classification: Uncertain significance for Alstrom syndrome. Last evaluated: 2025-01-21. Review status: criteria provided, single submitter. Criteria: Invitae Variant Classification Sherloc (09022015). Collection method: clinical testing. Allele origin: germline.
Comment: This sequence change replaces glycine, which is neutral and non-polar, with glutamic acid, which is acidic and polar, at codon 1480 of the ALMS1 protein (p.Gly1480Glu). This variant is present in population databases (rs756575234, gnomAD no frequency). This variant has not been reported in the literature in individuals affected with ALMS1-related conditions. ClinVar contains an entry for this variant (Variation ID: 1932912). Experimental studies and prediction algorithms are not available or were not evaluated, and the functional significance of this variant is currently unknown. In summary, the available evidence is currently insufficient to determine the role of this variant in disease. Therefore, it has been classified as a Variant of Uncertain Significance.

GeneDx
Classification: Uncertain significance. Last evaluated: 2024-11-19. Review status: criteria provided, single submitter. Criteria: GeneDx Variant Classification Process June 2021. Collection method: clinical testing. Allele origin: germline. Affected: yes.
Comment: Not observed at significant frequency in large population cohorts (gnomAD); In silico analysis indicates that this missense variant does not alter protein structure/function; Has not been previously published as pathogenic or benign to our knowledge

Ambry Genetics
Classification: Likely benign for Cardiovascular phenotype. Last evaluated: 2024-09-20. Review status: criteria provided, single submitter. Criteria: Ambry Variant Classification Scheme 2023. Collection method: clinical testing. Allele origin: germline.